The following is an entry in ClinVar:

ClinVar aggregate classification (germline): Uncertain significance (1 of 4 stars; one submission).

Allele frequency attached by ClinVar (database versions not stated): gnomAD 0.00001; TOPMed 0.00001.
gnomAD v4.1: 2 of 1,613,574 alleles (0.00012%); highest among the groups gnomAD compares: African/African-American, 0.0027%; no homozygotes.

Submission:

Labcorp Genetics (formerly Invitae), Labcorp
Classification: Uncertain significance. Last evaluated: 2020-03-04. Review status: criteria provided, single submitter. Criteria: Invitae Variant Classification Sherloc (09022015). Collection method: clinical testing. Allele origin: germline.
Comment: This sequence change replaces valine with glutamic acid at codon 979 of the RBP3 protein (p.Val979Glu). The valine residue is weakly conserved and there is a moderate physicochemical difference between valine and glutamic acid. This variant is not present in population databases (ExAC no frequency). This variant has not been reported in the literature in individuals with RBP3-related conditions. Algorithms developed to predict the effect of missense changes on protein structure and function (SIFT, PolyPhen-2, Align-GVGD) all suggest that this variant is likely to be tolerated, but these predictions have not been confirmed by published functional studies and their clinical significance is uncertain. In summary, the available evidence is currently insufficient to determine the role of this variant in disease. Therefore, it has been classified as a Variant of Uncertain Significance.

NM_002900.3(RBP3):c.2936T>A (p.Val979Glu)

Gene: RBP3 (retinol binding protein 3; plus strand). Cytogenetic location: 10q11.22.
Variant type: single nucleotide variant.
Coding change: c.2936T>A on transcript NM_002900.3 (MANE Select); coding-DNA position 2936, T replaced by A.
Protein change: p.Val979Glu; replaces valine 979 with glutamic acid.
Molecular consequence: missense variant.
Genome position (GRCh38, 1-based): chr10:47,351,420, T>A. VCF-style: chr10-47351420-T-A. GRCh37 (hg19) VCF-style: chr10-48387942-A-T.
Other names: short protein forms V979E.
Identifiers: ClinVar variation 965460 (VCV000965460.9), dbSNP rs1277648053, ClinGen allele CA376675725.